The following is an entry in ClinVar:

ClinVar aggregate classification (germline): Uncertain significance (1 of 4 stars; one submission).

Conditions:
Myofibrillar myopathy 5. Also called: Filaminopathy (type); FILAMINOPATHY, AUTOSOMAL DOMINANT. Identifiers: Orphanet 171445, MedGen C1836050, MONDO:0012289, OMIM 609524.
Distal myopathy with posterior leg and anterior hand involvement. Also called: WILLIAMS DISTAL MYOPATHY. Identifiers: Orphanet 63273, MedGen C3279722, MONDO:0013550, OMIM 614065.
Hypertrophic cardiomyopathy 26. Also called: Cardiomyopathy, familial hypertrophic, 26. Identifiers: Orphanet 75249, MedGen C4310749, MONDO:0014883, OMIM 617047.

Submission:

Labcorp Genetics (formerly Invitae), Labcorp
Classification: Uncertain significance for Distal myopathy with posterior leg and anterior hand involvement; Myofibrillar myopathy 5; Hypertrophic cardiomyopathy 26. Last evaluated: 2021-04-24. Review status: criteria provided, single submitter. Criteria: Invitae Variant Classification Sherloc (09022015). Collection method: clinical testing. Allele origin: germline.
Comment: In summary, the available evidence is currently insufficient to determine the role of this variant in disease. Therefore, it has been classified as a Variant of Uncertain Significance. Algorithms developed to predict the effect of missense changes on protein structure and function are either unavailable or do not agree on the potential impact of this missense change (SIFT: "Deleterious"; PolyPhen-2: "Probably Damaging"; Align-GVGD: "Class C0"). This variant has not been reported in the literature in individuals with FLNC-related conditions. This variant is not present in population databases (ExAC no frequency). This sequence change replaces glycine with cysteine at codon 2073 of the FLNC protein (p.Gly2073Cys). The glycine residue is highly conserved and there is a large physicochemical difference between glycine and cysteine.

NM_001458.5(FLNC):c.6217G>T (p.Gly2073Cys)

Genes: FLNC (filamin C; plus strand), FLNC-AS1 (FLNC antisense RNA 1; minus strand). Cytogenetic location: 7q32.1.
Variant type: single nucleotide variant.
Coding change: c.6217G>T on transcript NM_001458.5 (MANE Select); coding-DNA position 6217, G replaced by T.
Protein change: p.Gly2073Cys; replaces glycine 2073 with cysteine.
Molecular consequence: missense variant.
Genome position (GRCh38, 1-based): chr7:128,853,477, G>T. VCF-style: chr7-128853477-G-T. GRCh37 (hg19) VCF-style: chr7-128493531-G-T.
Other names: c.6118G>T, p.Gly2040Cys (NM_001127487.2); short protein forms G2040C, G2073C.
Identifiers: ClinVar variation 1355086 (VCV001355086.8), dbSNP rs1366093926, ClinGen allele CA369211831.